The following is an entry in ClinVar:

ClinVar aggregate classification (germline): Likely benign. Review status: criteria provided, multiple submitters, no conflicts (2 of 4 stars). 4 submissions from 4 submitters: Likely benign (3). 1 of the submissions does not count toward it. Last evaluated 2026-01-31.

Conditions:
FANCA-related disorder. Also called: FANCA-related condition.
Inborn genetic diseases. Identifiers: MedGen C0950123, MeSH D030342.
Fanconi anemia (FA). Also called: Fanconi's anemia. Identifiers: Orphanet 84, MedGen C0015625, MeSH D005199, MONDO:0019391.

Allele frequency attached by ClinVar (database versions not stated): gnomAD 0.00001; TOPMed 0.00001; gnomAD exomes below 0.00001; ExAC 0.00001.
gnomAD v4.1: 6 of 1,613,668 alleles (0.00037%); highest among the groups gnomAD compares: South Asian, 0.0044%; no homozygotes.

Submissions (4):

Labcorp Genetics (formerly Invitae), Labcorp
Classification: Likely benign for Fanconi anemia. Last evaluated: 2026-01-31. Review status: criteria provided, single submitter. Criteria: Invitae Variant Classification Sherloc (09022015). Collection method: clinical testing. Allele origin: germline.

Ambry Genetics
Classification: Likely benign for Inborn genetic diseases. Last evaluated: 2024-12-06. Review status: criteria provided, single submitter. Criteria: Ambry Variant Classification Scheme 2023. Collection method: clinical testing. Allele origin: germline.

Blueprint Genetics
Classification: Likely benign. Last evaluated: 2024-07-11. Review status: criteria provided, single submitter. Criteria: ACMG Guidelines, 2015. Collection method: clinical testing. Allele origin: germline.

PreventionGenetics, part of Exact Sciences
Classification: Likely benign for FANCA-related condition. Last evaluated: 2024-01-08. Review status: no assertion criteria provided. Collection method: clinical testing. Allele origin: germline. Not counted in ClinVar's aggregate classification.
Comment: This variant is classified as likely benign based on ACMG/AMP sequence variant interpretation guidelines (Richards et al. 2015 PMID: 25741868, with internal and published modifications).

NM_000135.4(FANCA):c.2994T>C (p.Tyr998=)

Gene: FANCA (FA complementation group A; minus strand). Cytogenetic location: 16q24.3.
Variant type: single nucleotide variant.
Coding change: c.2994T>C on transcript NM_000135.4 (MANE Select); coding-DNA position 2994, T replaced by C.
Protein change: p.Tyr998=; no amino-acid change (tyrosine 998 retained).
Molecular consequence: synonymous variant.
Genome position (GRCh38, 1-based): chr16:89,752,210, A>G on the plus strand (T>C on the coding strand, the complement: FANCA is on the minus strand). VCF-style: chr16-89752210-A-G. GRCh37 (hg19) VCF-style: chr16-89818618-A-G.
Other names: c.2994T>C (LRG_495t1); c.2994T>C, p.Tyr998= (NM_001286167.3).
Identifiers: ClinVar variation 237046 (VCV000237046.12), dbSNP rs758384536, ClinGen allele CA8251383.